The following is an entry in ClinVar:

NM_032581.4(HYCC1):c.1515A>C (p.Gln505His)

Gene: HYCC1 (hyccin PI4KA lipid kinase complex subunit 1; minus strand). Cytogenetic location: 7p15.3.
Variant type: single nucleotide variant.
Coding change: c.1515A>C on transcript NM_032581.4 (MANE Select); coding-DNA position 1515, A replaced by C.
Protein change: p.Gln505His; replaces glutamine 505 with histidine.
Molecular consequence: missense variant. On other transcripts: 3 prime UTR variant (2).
Genome position (GRCh38, 1-based): chr7:22,945,640, T>G on the plus strand (A>C on the coding strand, the complement: HYCC1 is on the minus strand). VCF-style: chr7-22945640-T-G. GRCh37 (hg19) VCF-style: chr7-22985259-T-G.
Other names: c.*551A>C (NM_001363466.2); c.*509A>C (NM_001363467.2); c.1515A>C (NM_032581.3); short protein forms Q505H.
Identifiers: ClinVar variation 1063805 (VCV001063805.9), dbSNP rs373948210, ClinGen allele CA4185710.

ClinVar aggregate classification (germline): Uncertain significance. Review status: criteria provided, multiple submitters, no conflicts (2 of 4 stars). 2 submissions from 2 submitters: Uncertain significance (2). Last evaluated 2024-11-24.

Conditions:
Inborn genetic diseases. Identifiers: MedGen C0950123, MeSH D030342.
Hypomyelination and Congenital Cataract (HLD5). Also called: hypomyelinating leukodystrophy 5. Identifiers: Orphanet 85163, MedGen C1864663, MONDO:0012514, OMIM 610532.

gnomAD v4.1: 20 of 1,613,654 alleles (0.0012%); highest among the groups gnomAD compares: Non-Finnish European, 0.0014%; no homozygotes.

Submissions (2):

Ambry Genetics
Classification: Uncertain significance for Inborn genetic diseases. Last evaluated: 2024-11-24. Review status: criteria provided, single submitter. Criteria: Ambry Variant Classification Scheme 2023. Collection method: clinical testing. Allele origin: germline.

Labcorp Genetics (formerly Invitae), Labcorp
Classification: Uncertain significance for Hypomyelination and Congenital Cataract. Last evaluated: 2020-05-11. Review status: criteria provided, single submitter. Criteria: Invitae Variant Classification Sherloc (09022015). Collection method: clinical testing. Allele origin: germline.
Comment: In summary, the available evidence is currently insufficient to determine the role of this variant in disease. Therefore, it has been classified as a Variant of Uncertain Significance. Algorithms developed to predict the effect of missense changes on protein structure and function (SIFT, PolyPhen-2, Align-GVGD) all suggest that this variant is likely to be tolerated, but these predictions have not been confirmed by published functional studies and their clinical significance is uncertain. This variant has not been reported in the literature in individuals with FAM126A-related conditions. This variant is present in population databases (rs373948210, ExAC 0.002%). This sequence change replaces glutamine with histidine at codon 505 of the FAM126A protein (p.Gln505His). The glutamine residue is moderately conserved and there is a small physicochemical difference between glutamine and histidine.